The following is an entry in ClinVar:

ClinVar aggregate classification (germline): Pathogenic/Likely pathogenic. Review status: criteria provided, multiple submitters, no conflicts (2 of 4 stars). 4 submissions from 4 submitters: Pathogenic (2); Likely pathogenic (1). 1 of the submissions does not count toward it. Last evaluated 2025-01-24.

Conditions:
Autosomal dominant medullary cystic kidney disease with or without hyperuricemia. Identifiers: Orphanet 34149, MedGen C4511620, MONDO:0008264.
Familial juvenile hyperuricemic nephropathy type 1 (ADTKD1). Also called: Autosomal Dominant Tubulointerstitial Kidney Disease – UMOD; Glomerulocystic kidney disease with hyperuricemia and isosthenuria; Medullary cystic kidney disease 2; UMOD-Associated Kidney Disease; Uromodulin-associated kidney disease. Identifiers: Orphanet 209886, Orphanet 34149, Orphanet 88950, MedGen C4551496, MONDO:0008073, OMIM 162000.
UMOD-related disorder. Also called: UMOD-related condition.

gnomAD v4.1: 1 of 1,613,724 alleles (0.000062%); highest among the groups gnomAD compares: South Asian, 0.0011%; no homozygotes.

Submissions (4):

PreventionGenetics, part of Exact Sciences
Classification: Likely pathogenic for UMOD-related condition. Last evaluated: 2025-01-24. Review status: criteria provided, single submitter. Criteria: ACMG Guidelines, 2015. Collection method: clinical testing. Allele origin: germline.
Comment: The UMOD c.854C>A variant is predicted to result in the amino acid substitution p.Ala285Glu. This substitution has been reported in individuals with autosomal dominant tubulointerstitial kidney disease (ADTKD) (Table S1, Olinger et al. 2020. PubMed ID: 32450155; Bollée et al. 2011. PubMed ID: 21868615; Yang et al. 2019. PubMed ID: 31068150). This variant has not been reported in a large population database (gnomAD), indicating this variant is rare. This variant is interpreted as likely pathogenic.

Fulgent Genetics
Classification: Pathogenic for Familial juvenile hyperuricemic nephropathy type 1. Last evaluated: 2023-12-28. Review status: criteria provided, single submitter. Criteria: ACMG Guidelines, 2015. Collection method: clinical testing. Allele origin: germline.

Labcorp Genetics (formerly Invitae), Labcorp
Classification: Pathogenic. Last evaluated: 2022-09-27. Review status: criteria provided, single submitter. Criteria: Invitae Variant Classification Sherloc (09022015). Collection method: clinical testing. Allele origin: germline.
Comment: For these reasons, this variant has been classified as Pathogenic. Advanced modeling of protein sequence and biophysical properties (such as structural, functional, and spatial information, amino acid conservation, physicochemical variation, residue mobility, and thermodynamic stability) has been performed at Invitae for this missense variant, however the output from this modeling did not meet the statistical confidence thresholds required to predict the impact of this variant on UMOD protein function. ClinVar contains an entry for this variant (Variation ID: 988177). This missense change has been observed in individual(s) with UMOD-related conditions (PMID: 21868615, 31068150, 32450155). In at least one individual the variant was observed to be de novo. This variant is not present in population databases (gnomAD no frequency). This sequence change replaces alanine, which is neutral and non-polar, with glutamic acid, which is acidic and polar, at codon 285 of the UMOD protein (p.Ala285Glu).

Sydney Genome Diagnostics, Children's Hospital Westmead
Classification: Uncertain significance for Autosomal dominant medullary cystic kidney disease with or without hyperuricemia. Last evaluated: 2017-10-27. Review status: no assertion criteria provided. Collection method: clinical testing. Allele origin: unknown. Affected: yes. Observed: 1 variant allele, 1 heterozygote. Not counted in ClinVar's aggregate classification.
Comment: The variant has not been reported in any population databases (i.e. gnomAD, ExAC, ESP or dbSNP). This variant has been previously reported in two related families with a total of 4 individuals with autosomal dominant tubulointerstitial kidney disease (Bollee et al Clin J Am Soc Nephrol 2011 6: 2429-2438; Ekici et al Kidney International 2014 86; 589-599). In silico analysis of pathogenicity (through Alamut Visual v2.8.1) using PolyPhen2, SIFT and MutationTaster suggest that this variant is likely to be pathogenic. However, this analysis alone cannot be used to confirm pathogenicity. This variant is considered to be a variant of uncertain significance (VOUS) according to the ACMG guidelines.

Literature cited by the submitters: PubMed 21868615 (cited by Labcorp Genetics (formerly Invitae), Labcorp); PubMed 31068150 (cited by Labcorp Genetics (formerly Invitae), Labcorp); PubMed 32450155 (cited by Labcorp Genetics (formerly Invitae), Labcorp).

NM_003361.4(UMOD):c.854C>A (p.Ala285Glu)

Gene: UMOD (uromodulin; minus strand). Cytogenetic location: 16p12.3.
Variant type: single nucleotide variant.
Coding change: c.854C>A on transcript NM_003361.4 (MANE Select); coding-DNA position 854, C replaced by A.
Protein change: p.Ala285Glu; replaces alanine 285 with glutamic acid.
Molecular consequence: missense variant. On other transcripts: non-coding transcript variant (1).
Genome position (GRCh38, 1-based): chr16:20,348,447, G>T on the plus strand (C>A on the coding strand, the complement: UMOD is on the minus strand). VCF-style: chr16-20348447-G-T. GRCh37 (hg19) VCF-style: chr16-20359769-G-T.
Other names: c.854C>A (NM_003361.3); c.854C>A, p.Ala285Glu (NM_001008389.3, NM_001378232.1, NM_001378233.1 and 3 more transcripts); c.953C>A, p.Ala318Glu (NM_001278614.2); short protein forms A285E, A318E.
Identifiers: ClinVar variation 988177 (VCV000988177.7), dbSNP rs766919534, ClinGen allele CA394984068.
Genomic context (GRCh38, chr16:20,348,447, plus strand): 5'-AGTGCCTTTCCAGGCCTGGGATGAGGACTGTGGGGAGACTCCGGCTGACCTGTGCAGTAC[G>T]CCAGGTGACACTCGGGGGGCGCTGTCAGGTTGTAGACGTAGTAGCCGCCGGCACAGGCCT-3'
Protein context (NP_003352.2, residues 275-295): NLTAPPECHL[Ala285Glu]YCTDPSSVEG